The following is an entry in ClinVar:

ClinVar aggregate classification (germline): Likely pathogenic (1 of 4 stars; one submission).

Conditions:
Hypoparathyroidism, deafness, renal disease syndrome (HDRS). Also called: HYPOPARATHYROIDISM, SENSORINEURAL DEAFNESS, AND RENAL DYSPLASIA SYNDROME. Identifiers: Orphanet 2237, MedGen C1840333, MONDO:0007797, OMIM 146255.

Submission:

MVZ Medizinische Genetik Mainz
Classification: Likely pathogenic for Hypoparathyroidism, deafness, renal disease syndrome. Last evaluated: 2025-10-24. Review status: criteria provided, single submitter. Criteria: UK Practice Guidelines For Variant Classification V4 01 2020. Collection method: clinical testing. Allele origin: germline. Inheritance: Autosomal dominant inheritance. Affected: yes. Observed: 1 variant allele.
Comment: ACMG Criteria: PVS1,PM2_SUP

NM_001002295.2(GATA3):c.444del (p.His149fs)

Gene: GATA3 (GATA binding protein 3; plus strand). Cytogenetic location: 10p14.
Variant type: Deletion.
Coding change: c.444del on transcript NM_001002295.2 (MANE Select); coding-DNA position 444, one base deleted (G; older notation c.444delG).
Protein change: p.His149fs; shifts the reading frame from histidine 149.
Molecular consequence: frameshift variant.
Genome position (GRCh38, 1-based): chr10:8,058,507, G deleted. VCF-style (leftmost placement, unchanged base first): chr10-8058506-CG-C. GRCh37 (hg19) VCF-style: chr10-8100469-CG-C.
Other names: c.444del, p.His149fs (NM_001441115.1, NM_001441116.1, NM_001441117.1 and 18 more transcripts); short protein forms H149fs.
Identifiers: ClinVar variation 4532228 (VCV004532228.1).